The following is an entry in ClinVar:

ClinVar aggregate classification (germline): Uncertain significance. Review status: criteria provided, multiple submitters, no conflicts (2 of 4 stars). 2 submissions from 2 submitters: Uncertain significance (2). Last evaluated 2026-08-24.

Conditions:
Mucopolysaccharidosis, MPS-II (MPS2). Also called: IDS deficiency; Sulfoiduronate sulfatase deficiency; SIDS deficiency; Mucopolysaccharidosis with skin involvement; Attenuated MPS (subtype; formerly known as mild MPS II); Severe MPS II. Identifiers: Orphanet 580, Orphanet 79388, MedGen C0026705, MONDO:0010674, OMIM 309900.
Inborn genetic diseases. Identifiers: MedGen C0950123, MeSH D030342.

Submissions (2):

Ambry Genetics
Classification: Uncertain significance for Inborn genetic diseases. Last evaluated: 2026-08-24. Review status: criteria provided, single submitter. Criteria: Ambry Variant Classification Scheme 2023. Collection method: clinical testing. Allele origin: germline.
Comment: The p.P420T variant (also known as c.1258C>A), located in coding exon 9 of the IDS gene, results from a C to A substitution at nucleotide position 1258. The proline at codon 420 is replaced by threonine, an amino acid with highly similar properties. This amino acid position is conserved. In addition, this alteration is predicted to be deleterious by in silico analysis. Based on the available evidence, the clinical significance of this variant remains unclear.

Labcorp Genetics (formerly Invitae), Labcorp
Classification: Uncertain significance for Mucopolysaccharidosis, MPS-II. Last evaluated: 2024-12-28. Review status: criteria provided, single submitter. Criteria: Invitae Variant Classification Sherloc (09022015). Collection method: clinical testing. Allele origin: germline.
Comment: This sequence change replaces proline, which is neutral and non-polar, with threonine, which is neutral and polar, at codon 420 of the IDS protein (p.Pro420Thr). This variant is not present in population databases (gnomAD no frequency). This variant has not been reported in the literature in individuals affected with IDS-related conditions. Invitae Evidence Modeling of protein sequence and biophysical properties (such as structural, functional, and spatial information, amino acid conservation, physicochemical variation, residue mobility, and thermodynamic stability) indicates that this missense variant is not expected to disrupt IDS protein function with a negative predictive value of 80%. In summary, the available evidence is currently insufficient to determine the role of this variant in disease. Therefore, it has been classified as a Variant of Uncertain Significance.

NM_000202.8(IDS):c.1258C>A (p.Pro420Thr)

Gene: IDS (iduronate 2-sulfatase; minus strand). Cytogenetic location: Xq28.
Variant type: single nucleotide variant.
Coding change: c.1258C>A on transcript NM_000202.8 (MANE Select); coding-DNA position 1258, C replaced by A.
Protein change: p.Pro420Thr; replaces proline 420 with threonine.
Molecular consequence: missense variant.
Genome position (GRCh38, 1-based): chrX:149,483,141, G>T on the plus strand (C>A on the coding strand, the complement: IDS is on the minus strand). VCF-style: chrX-149483141-G-T. GRCh37 (hg19) VCF-style: chrX-148564672-G-T.
Other names: c.988C>A, p.Pro330Thr (NM_001166550.4); c.1258C>A (NM_000202.5); short protein forms P420T, P330T.
Identifiers: ClinVar variation 3694604 (VCV003694604.3).